The following is an entry in ClinVar:

NM_003118.4(SPARC):c.571A>C (p.Lys191Gln)

Gene: SPARC (secreted protein acidic and cysteine rich; minus strand). Cytogenetic location: 5q33.1.
Variant type: single nucleotide variant.
Coding change: c.571A>C on transcript NM_003118.4 (MANE Select); coding-DNA position 571, A replaced by C.
Protein change: p.Lys191Gln; replaces lysine 191 with glutamine.
Molecular consequence: missense variant.
Genome position (GRCh38, 1-based): chr5:151,667,481, T>G on the plus strand (A>C on the coding strand, the complement: SPARC is on the minus strand). VCF-style: chr5-151667481-T-G. GRCh37 (hg19) VCF-style: chr5-151047042-T-G.
Other names: c.568A>C, p.Lys190Gln (NM_001309443.2); c.571A>C, p.Lys191Gln (NM_001309444.2); short protein forms K190Q, K191Q.
Identifiers: ClinVar variation 2187599 (VCV002187599.4), dbSNP rs2480202598, ClinGen allele CA361831944.

ClinVar aggregate classification (germline): Uncertain significance (1 of 4 stars; one submission).

Submission:

Labcorp Genetics (formerly Invitae), Labcorp
Classification: Uncertain significance. Last evaluated: 2022-11-17. Review status: criteria provided, single submitter. Criteria: Invitae Variant Classification Sherloc (09022015). Collection method: clinical testing. Allele origin: germline.
Comment: This sequence change replaces lysine, which is basic and polar, with glutamine, which is neutral and polar, at codon 191 of the SPARC protein (p.Lys191Gln). This variant is not present in population databases (gnomAD no frequency). In summary, the available evidence is currently insufficient to determine the role of this variant in disease. Therefore, it has been classified as a Variant of Uncertain Significance. Advanced modeling of protein sequence and biophysical properties (such as structural, functional, and spatial information, amino acid conservation, physicochemical variation, residue mobility, and thermodynamic stability) performed at Invitae indicates that this missense variant is not expected to disrupt SPARC protein function. This variant has not been reported in the literature in individuals affected with SPARC-related conditions.